The following is an entry in ClinVar:

NM_002299.4(LCT):c.3679G>A (p.Glu1227Lys)

Gene: LCT (lactase; minus strand). Cytogenetic location: 2q21.3.
Variant type: single nucleotide variant.
Coding change: c.3679G>A on transcript NM_002299.4 (MANE Select); coding-DNA position 3679, G replaced by A.
Protein change: p.Glu1227Lys; replaces glutamic acid 1227 with lysine.
Molecular consequence: missense variant.
Genome position (GRCh38, 1-based): chr2:135,808,668, C>T on the plus strand (G>A on the coding strand, the complement: LCT is on the minus strand). VCF-style: chr2-135808668-C-T. GRCh37 (hg19) VCF-style: chr2-136566238-C-T.
Other names: short protein forms E1227K.
Identifiers: ClinVar variation 2960317 (VCV002960317.1), dbSNP rs753114284, ClinGen allele CA1888018.

ClinVar aggregate classification (germline): Uncertain significance (1 of 4 stars; one submission).

Allele frequency attached by ClinVar (database versions not stated): gnomAD 0.00002; TOPMed 0.00002; gnomAD exomes 0.00003; ExAC 0.00006.
gnomAD v4.1: 41 of 1,614,024 alleles (0.0025%); highest among the groups gnomAD compares: Middle Eastern, 0.066%; 1 homozygote.

Submission:

Labcorp Genetics (formerly Invitae), Labcorp
Classification: Uncertain significance. Last evaluated: 2023-12-13. Review status: criteria provided, single submitter. Criteria: Invitae Variant Classification Sherloc (09022015). Collection method: clinical testing. Allele origin: germline.
Comment: This sequence change replaces glutamic acid, which is acidic and polar, with lysine, which is basic and polar, at codon 1227 of the LCT protein (p.Glu1227Lys). This variant is present in population databases (rs753114284, gnomAD 0.02%), including at least one homozygous and/or hemizygous individual. This variant has not been reported in the literature in individuals affected with LCT-related conditions. Advanced modeling of protein sequence and biophysical properties (such as structural, functional, and spatial information, amino acid conservation, physicochemical variation, residue mobility, and thermodynamic stability) performed at Invitae indicates that this missense variant is not expected to disrupt LCT protein function with a negative predictive value of 80%. In summary, the available evidence is currently insufficient to determine the role of this variant in disease. Therefore, it has been classified as a Variant of Uncertain Significance.